The following is an entry in ClinVar:

ClinVar aggregate classification (germline): Conflicting classifications of pathogenicity. Review status: criteria provided, conflicting classifications (1 of 4 stars). 4 submissions from 4 submitters: Uncertain significance (1); Benign (1); Likely benign (2). Last evaluated 2026-01-26.

Conditions:
Renal cell carcinoma. Identifiers: Orphanet 217071, MedGen C0007134, MeSH D002292, MONDO:0005086, HP:0005584.
Hereditary cancer-predisposing syndrome. Also called: Hereditary Cancer Syndrome; Tumor predisposition; Neoplastic Syndromes, Hereditary; Hereditary neoplastic syndrome. Identifiers: Orphanet 140162, MedGen C0027672, MeSH D009386, MONDO:0015356.
Papillary renal cell carcinoma type 1 (RCCP1). Also called: RENAL CELL CARCINOMA, PAPILLARY, 1, SOMATIC; Renal adenocarcinoma; Renal cell carcinoma 1; Renal cell carcinoma, somatic. Identifiers: Orphanet 47044, MedGen C1336839, OMIM 605074, HP:0011797.

Allele frequency attached by ClinVar (database versions not stated): gnomAD 0.00001; gnomAD exomes 0.00001; TOPMed 0.00001.
gnomAD v4.1: 13 of 1,613,670 alleles (0.00081%); highest among the groups gnomAD compares: Non-Finnish European, 0.0011%; no homozygotes.

Submissions (4):

Labcorp Genetics (formerly Invitae), Labcorp
Classification: Likely benign for Renal cell carcinoma. Last evaluated: 2026-01-26. Review status: criteria provided, single submitter. Criteria: Invitae Variant Classification Sherloc (09022015). Collection method: clinical testing. Allele origin: germline.

Myriad Genetics, Inc.
Classification: Benign for Papillary renal cell carcinoma type 1. Last evaluated: 2024-11-08. Review status: criteria provided, single submitter. Criteria: Myriad Autosomal Dominant, Autosomal Recessive and X-Linked Classification Criteria (2023). Collection method: clinical testing. Allele origin: unknown.
Comment: This variant is considered benign. This variant is a silent/synonymous amino acid change and it is not expected to impact splicing.

GeneDx
Classification: Uncertain significance. Last evaluated: 2022-07-17. Review status: criteria provided, single submitter. Criteria: GeneDx Variant Classification Process June 2021. Collection method: clinical testing. Allele origin: germline. Affected: yes.
Comment: Not observed at significant frequency in large population cohorts (gnomAD); In silico analysis supports that this variant does not alter splicing; Has not been previously published as pathogenic or benign to our knowledge; This variant is associated with the following publications: (PMID: 19318576)

Ambry Genetics
Classification: Likely benign for Hereditary cancer-predisposing syndrome. Last evaluated: 2021-07-07. Review status: criteria provided, single submitter. Criteria: Ambry Variant Classification Scheme 2023. Collection method: clinical testing. Allele origin: germline.

NM_000245.4(MET):c.2118T>C (p.Ile706=)

Gene: MET (MET proto-oncogene, receptor tyrosine kinase; plus strand). Cytogenetic location: 7q31.2.
Variant type: single nucleotide variant.
Coding change: c.2118T>C on transcript NM_000245.4 (MANE Select); coding-DNA position 2118, T replaced by C.
Protein change: p.Ile706=; no amino-acid change (isoleucine 706 retained).
Molecular consequence: synonymous variant.
Genome position (GRCh38, 1-based): chr7:116,758,474, T>C. VCF-style: chr7-116758474-T-C. GRCh37 (hg19) VCF-style: chr7-116398528-T-C.
Other names: c.2118T>C, p.Ile706= (NM_001127500.3, NM_001324401.3); c.828T>C, p.Ile276= (NM_001324402.2).
Identifiers: ClinVar variation 701682 (VCV000701682.14), dbSNP rs958023403, ClinGen allele CA164894222.